The following is an entry in ClinVar:

NM_033056.4(PCDH15):c.5799C>G (p.Asn1933Lys)

Gene: PCDH15 (protocadherin related 15; minus strand). Cytogenetic location: 10q21.1.
Variant type: single nucleotide variant.
Coding change: c.5799C>G on transcript NM_033056.4 (MANE Plus Clinical); coding-DNA position 5799, C replaced by G.
Protein change: p.Asn1933Lys; replaces asparagine 1933 with lysine.
Molecular consequence: missense variant. On other transcripts: intron variant (8).
Genome position (GRCh38, 1-based): chr10:53,821,927, G>C on the plus strand (C>G on the coding strand, the complement: PCDH15 is on the minus strand). VCF-style: chr10-53821927-G-C. GRCh37 (hg19) VCF-style: chr10-55581687-G-C.
Other names: c.5820C>G, p.Asn1940Lys (NM_001142763.2); c.5805C>G, p.Asn1935Lys (NM_001142764.2); c.5592C>G, p.Asn1864Lys (NM_001142765.2); c.5790C>G, p.Asn1930Lys (NM_001142766.2); c.5679C>G, p.Asn1893Lys (NM_001142767.2); c.5739C>G, p.Asn1913Lys (NM_001142768.2); c.5730C>G, p.Asn1910Lys (NM_001142773.2); c.5733C>G, p.Asn1911Lys (NM_001354404.2); and 7 more; short protein forms N1910K, N1940K, N1893K, N1864K, N1911K, N1930K, N1933K, N1935K.
Identifiers: ClinVar variation 1450671 (VCV001450671.5), dbSNP rs2076294427, ClinGen allele CA376524191.

ClinVar aggregate classification (germline): Uncertain significance (1 of 4 stars; one submission).

Allele frequency attached by ClinVar (database versions not stated): gnomAD 0.00001.
gnomAD v4.1: 1 of 1,613,546 alleles (0.000062%); highest among the groups gnomAD compares: Admixed American, 0.0017%; no homozygotes.

Submission:

Labcorp Genetics (formerly Invitae), Labcorp
Classification: Uncertain significance. Last evaluated: 2022-10-17. Review status: criteria provided, single submitter. Criteria: Invitae Variant Classification Sherloc (09022015). Collection method: clinical testing. Allele origin: germline.
Comment: This sequence change replaces asparagine, which is neutral and polar, with lysine, which is basic and polar, at codon 1933 of the PCDH15 protein (p.Asn1933Lys). This variant is not present in population databases (gnomAD no frequency). This variant has not been reported in the literature in individuals affected with PCDH15-related conditions. ClinVar contains an entry for this variant (Variation ID: 1450671). Algorithms developed to predict the effect of missense changes on protein structure and function output the following: SIFT: "Tolerated"; PolyPhen-2: "Not Available"; Align-GVGD: "Class C0". The lysine amino acid residue is found in multiple mammalian species, which suggests that this missense change does not adversely affect protein function. In summary, the available evidence is currently insufficient to determine the role of this variant in disease. Therefore, it has been classified as a Variant of Uncertain Significance.